The following is an entry in ClinVar:

ClinVar aggregate classification (germline): Uncertain significance. Review status: criteria provided, multiple submitters, no conflicts (2 of 4 stars). 2 submissions from 2 submitters: Uncertain significance (2). Last evaluated 2026-03-10.

Conditions:
Wilms tumor 1 (WT1). Also called: Wilms tumor, somatic. Identifiers: Orphanet 654, MedGen CN033288, MONDO:0008679, OMIM 194070.
Inborn genetic diseases. Identifiers: MedGen C0950123, MeSH D030342.

Allele frequency attached by ClinVar (database versions not stated): gnomAD exomes below 0.00001; TOPMed below 0.00001.
gnomAD v4.1: 4 of 1,211,366 alleles (0.00033%); highest among the groups gnomAD compares: Non-Finnish European, 0.00045%; no homozygotes.

Submissions (2):

Ambry Genetics
Classification: Uncertain significance for Inborn genetic diseases. Last evaluated: 2026-03-10. Review status: criteria provided, single submitter. Criteria: Ambry Variant Classification Scheme 2023. Collection method: clinical testing. Allele origin: germline.
Comment: The c.880A>G (p.K294E) alteration is located in exon 3 (coding exon 3) of the GPC3 gene. This alteration results from a A to G substitution at nucleotide position 880, causing the lysine (K) at amino acid position 294 to be replaced by a glutamic acid (E). Based on data from gnomAD, the G allele has an overall frequency of 0.005% (1/22045) total alleles studied. The highest observed frequency was 0.009% (1/10892) of European (non-Finnish) alleles. Based on insufficient or conflicting evidence, the clinical significance of this alteration remains unclear.

Labcorp Genetics (formerly Invitae), Labcorp
Classification: Uncertain significance for Wilms tumor 1. Last evaluated: 2025-12-17. Review status: criteria provided, single submitter. Criteria: Invitae Variant Classification Sherloc (09022015). Collection method: clinical testing. Allele origin: germline.
Comment: This sequence change replaces lysine, which is basic and polar, with glutamic acid, which is acidic and polar, at codon 294 of the GPC3 protein (p.Lys294Glu). This variant is present in population databases (no rsID available, gnomAD 0.009%). This variant has not been reported in the literature in individuals affected with GPC3-related conditions. ClinVar contains an entry for this variant (Variation ID: 935929). Invitae Evidence Modeling of protein sequence and biophysical properties (such as structural, functional, and spatial information, amino acid conservation, physicochemical variation, residue mobility, and thermodynamic stability) indicates that this missense variant is not expected to disrupt GPC3 protein function with a negative predictive value of 80%. In summary, the available evidence is currently insufficient to determine the role of this variant in disease. Therefore, it has been classified as a Variant of Uncertain Significance.

NM_004484.4(GPC3):c.880A>G (p.Lys294Glu)

Gene: GPC3 (glypican 3; minus strand). Cytogenetic location: Xq26.2.
Variant type: single nucleotide variant.
Coding change: c.880A>G on transcript NM_004484.4 (MANE Select); coding-DNA position 880, A replaced by G.
Protein change: p.Lys294Glu; replaces lysine 294 with glutamic acid.
Molecular consequence: missense variant.
Genome position (GRCh38, 1-based): chrX:133,753,634, T>C on the plus strand (A>G on the coding strand, the complement: GPC3 is on the minus strand). VCF-style: chrX-133753634-T-C. GRCh37 (hg19) VCF-style: chrX-132887661-T-C.
Other names: c.880A>G, p.Lys294Glu (NM_001164617.2); c.832A>G, p.Lys278Glu (NM_001164618.2); c.718A>G, p.Lys240Glu (NM_001164619.2); short protein forms K240E, K278E, K294E.
Identifiers: ClinVar variation 935929 (VCV000935929.9), dbSNP rs1294158180, ClinGen allele CA414705429.